The following is an entry in ClinVar:

ClinVar aggregate classification (germline): Uncertain significance (1 of 4 stars; one submission).

Submission:

GeneDx
Classification: Uncertain significance. Last evaluated: 2017-07-19. Review status: criteria provided, single submitter. Criteria: GeneDx Variant Classification (06012015). Collection method: clinical testing. Allele origin: germline. Affected: yes.
Comment: The c.1026+1G>T variant in the ISPD gene has not been reported previously as a pathogenic variant nor as a benign variant, to our knowledge. This splice site variant destroys the canonical splice donor site in intron 7, resulting in an in-frame deletion of exon 7. It is predicted to cause abnormal gene splicing, either leading to an abnormal message that is subject to nonsense-mediated mRNA decay, or to an abnormal protein product if the message is used for protein translation. The c.1026+1G>T variant is not observed in large population cohorts (Lek et al., 2016; 1000 Genomes Consortium et al., 2015; Exome Variant Server). We interpret c.1026+1G>T as a variant of uncertain significance.

NM_001101426.4(CRPPA):c.1026+1G>T

Genes: CRPPA-AS1 (CRPPA antisense RNA 1; plus strand), CRPPA (CDP-L-ribitol pyrophosphorylase A; minus strand). Cytogenetic location: 7p21.2.
Variant type: single nucleotide variant.
Coding change: c.1026+1G>T on transcript NM_001101426.4 (MANE Select); the canonical splice donor site of the intron after coding-DNA position 1026, G replaced by T.
Molecular consequence: splice donor variant.
Genome position (GRCh38, 1-based): chr7:16,258,919, C>A on the plus strand (G>T on the coding strand, the complement: CRPPA is on the minus strand). VCF-style: chr7-16258919-C-A. GRCh37 (hg19) VCF-style: chr7-16298544-C-A.
Other names: c.876+1G>T (NM_001101417.4); c.921+1G>T (NM_001368197.1).
Identifiers: ClinVar variation 450705 (VCV000450705.2), dbSNP rs1554300301, ClinGen allele CA367000686.
Genomic context (GRCh38, chr7:16,258,919, plus strand): 5'-TTAGTTCTCTTCCACATTTGTTCATATCCTTAAGTGCCTTCAATCATTTGAATTGACTTA[C>A]ATTCACACAAACAAAATTGTAGCATTGATCTAAGATGATTTGCTGAAGATGTCTGCCAGC-3'